The following is an entry in ClinVar:

NM_003742.4(ABCB11):c.2935A>G (p.Asn979Asp)

Gene: ABCB11 (ATP binding cassette subfamily B member 11; minus strand). Cytogenetic location: 2q31.1.
Variant type: single nucleotide variant.
Coding change: c.2935A>G on transcript NM_003742.4 (MANE Select); coding-DNA position 2935, A replaced by G.
Protein change: p.Asn979Asp; replaces asparagine 979 with aspartic acid.
Molecular consequence: missense variant.
Genome position (GRCh38, 1-based): chr2:168,935,305, T>C on the plus strand (A>G on the coding strand, the complement: ABCB11 is on the minus strand). VCF-style: chr2-168935305-T-C. GRCh37 (hg19) VCF-style: chr2-169791815-T-C.
Other names: short protein forms N979D.
Identifiers: ClinVar variation 4846112 (VCV004846112.1).
Genomic context (GRCh38, chr2:168,935,305, plus strand): 5'-AAGCAGAATTCGCAATAAACATGATGCACTGGGCAAAGGCAAAGCAGAATCCGTAAATAT[T>C]GGCTTTCTGAATGGCTGTCTTGAAGGGCTTCTCCAGCTCAGTCTCAAGTGCTTCAATGAA-3'
Protein context (NP_003733.2, residues 969-989): KPFKTAIQKA[Asn979Asp]IYGFCFAFAQ

ClinVar aggregate classification (germline): Uncertain significance (1 of 4 stars; one submission).

Conditions:
Familial intrahepatic cholestasis. Identifiers: Orphanet 284385, MedGen CN296401, MONDO:0017290.

Submission:

Genomenon, Inc
Classification: Uncertain significance for Familial intrahepatic cholestasis. Last evaluated: 2026-04-14. Review status: criteria provided, single submitter. Criteria: Genomenon Sequence Variant Interpretation Standards - Updated. Collection method: curation. Allele origin: germline. Affected: yes.
Comment: ABCB11 p.Asn979Asp (c.2935A>G) is a missense variant that changes the amino acid at residue 979 from Asparagine to Aspartic acid. This variant has been observed in at least one proband with an ABCB11-related disorder (PMID:18395098;26382629). At least one splicing study demonstrated no effect on splicing (PMID:19101985). It is absent or not present at a significant frequency in gnomAD. In conclusion, we classify ABCB11 p.Asn979Asp (c.2935A>G) as a variant of uncertain significance.

Literature cited by the submitters: PubMed 18395098; PubMed 26382629; PubMed 19101985.